The following is an entry in ClinVar:

NM_024649.5(BBS1):c.-4G>A

Gene: BBS1 (Bardet-Biedl syndrome 1; plus strand). Cytogenetic location: 11q13.2.
Variant type: single nucleotide variant.
Coding change: c.-4G>A on transcript NM_024649.5 (MANE Select); 4 bases upstream of the start codon, G replaced by A.
Molecular consequence: 5 prime UTR variant.
Genome position (GRCh38, 1-based): chr11:66,510,656, G>A. VCF-style: chr11-66510656-G-A. GRCh37 (hg19) VCF-style: chr11-66278127-G-A.
Identifiers: ClinVar variation 4987329 (VCV004987329.1).
Genomic context (GRCh38, chr11:66,510,656, plus strand): 5'-GTGCTCGGGCACTATTGGGCGTTACGCGAGGGCGGGGCCGGTTGCCAGGACGACGCCTGC[G>A]AAGATGGCCGCTGCGTCCTCATCGGATTCCGACGCCTGCGGAGCTGAGAGGTGAAGGCAG-3'

ClinVar aggregate classification (germline): Likely benign (1 of 4 stars; one submission).

Conditions:
BBS1-related disorder. Also called: BBS1-related condition.

gnomAD v4.1: 8 of 1,614,166 alleles (0.0005%); highest among the groups gnomAD compares: African/African-American, 0.0067%; no homozygotes.

Submission:

PreventionGenetics, part of Exact Sciences
Classification: Likely benign for BBS1-related condition. Last evaluated: 2024-11-22. Review status: criteria provided, single submitter. Criteria: ACMG Guidelines, 2015. Collection method: clinical testing. Allele origin: germline.
Comment: This variant is classified as likely benign based on ACMG/AMP sequence variant interpretation guidelines (Richards et al. 2015 PMID: 25741868, with internal and published modifications).